The following is an entry in ClinVar:

NC_000011.9:g.(?_68673517)_(68682511_?)del

Gene: IGHMBP2 (immunoglobulin mu DNA binding protein 2; plus strand). Cytogenetic location: 11q13.3.
Variant type: Deletion.
Identifiers: ClinVar variation 2424364 (VCV002424364.5).

ClinVar aggregate classification (germline): Pathogenic (1 of 4 stars; one submission).

Conditions:
Charcot-Marie-Tooth disease axonal type 2S. Also called: CHARCOT-MARIE-TOOTH DISEASE, AXONAL, AUTOSOMAL RECESSIVE, TYPE 2S; CHARCOT-MARIE-TOOTH NEUROPATHY, TYPE 2S. Identifiers: Orphanet 443073, MedGen C4015349, MONDO:0014511, OMIM 616155.
Autosomal recessive distal spinal muscular atrophy 1. Also called: SEVERE INFANTILE AXONAL NEUROPATHY WITH RESPIRATORY FAILURE; SPINAL MUSCULAR ATROPHY, DIAPHRAGMATIC; NEURONOPATHY, DISTAL HEREDITARY MOTOR, HARDING TYPE VI; NEUROPATHY, DISTAL HEREDITARY MOTOR, AUTOSOMAL RECESSIVE 1; NEURONOPATHY, SEVERE INFANTILE AXONAL, WITH RESPIRATORY FAILURE; Spinal muscular atrophy with respiratory distress 1. Identifiers: Orphanet 98920, MedGen C1858517, MONDO:0011436, OMIM 604320.

Submission:

Labcorp Genetics (formerly Invitae), Labcorp
Classification: Pathogenic for Autosomal recessive distal spinal muscular atrophy 1; Charcot-Marie-Tooth disease axonal type 2S. Last evaluated: 2023-02-14. Review status: criteria provided, single submitter. Criteria: Invitae Variant Classification Sherloc (09022015). Collection method: clinical testing. Allele origin: germline.
Comment: This variant is a gross deletion of the genomic region encompassing exon(s) 2-6 of the IGHMBP2 gene. This deletion is out-of-frame, and is expected to create a premature termination codon and result in an absent or disrupted protein product. Loss-of-function variants in IGHMBP2 are known to be pathogenic (PMID: 14681881, 25439726, 25568292). This variant has not been reported in the literature in individuals affected with IGHMBP2-related conditions. For these reasons, this variant has been classified as Pathogenic.

Literature cited by the submitters: PubMed 14681881; PubMed 25439726; PubMed 25568292.